The following is an entry in ClinVar:

NM_001009944.3(PKD1):c.7517C>A (p.Ala2506Asp)

Gene: PKD1 (polycystin 1, transient receptor potential channel interacting; minus strand). Cytogenetic location: 16p13.3.
Variant type: single nucleotide variant.
Coding change: c.7517C>A on transcript NM_001009944.3 (MANE Select); coding-DNA position 7517, C replaced by A.
Protein change: p.Ala2506Asp; replaces alanine 2506 with aspartic acid.
Molecular consequence: missense variant.
Genome position (GRCh38, 1-based): chr16:2,106,277, G>T on the plus strand (C>A on the coding strand, the complement: PKD1 is on the minus strand). VCF-style: chr16-2106277-G-T. GRCh37 (hg19) VCF-style: chr16-2156278-G-T.
Other names: c.7517C>A, p.Ala2506Asp (NM_000296.4); short protein forms A2506D.
Identifiers: ClinVar variation 3343274 (VCV003343274.1).

ClinVar aggregate classification (germline): Uncertain significance (1 of 4 stars; one submission).

Submission:

GeneDx
Classification: Uncertain significance. Last evaluated: 2023-05-08. Review status: criteria provided, single submitter. Criteria: GeneDx Variant Classification Process June 2021. Collection method: clinical testing. Allele origin: germline. Affected: yes.
Comment: Not observed at significant frequency in large population cohorts (gnomAD); In silico analysis supports that this missense variant does not alter protein structure/function; Has not been previously published as pathogenic or benign to our knowledge